The following is an entry in ClinVar:

NM_000203.5(IDUA):c.1854C>A (p.Tyr618Ter)

Gene: IDUA (alpha-L-iduronidase; plus strand). Cytogenetic location: 4p16.3.
Variant type: single nucleotide variant.
Coding change: c.1854C>A on transcript NM_000203.5 (MANE Select); coding-DNA position 1854, C replaced by A.
Protein change: p.Tyr618Ter; replaces tyrosine 618 with a stop codon.
Molecular consequence: nonsense. On other transcripts: non-coding transcript variant (1).
Genome position (GRCh38, 1-based): chr4:1,004,285, C>A. VCF-style: chr4-1004285-C-A. GRCh37 (hg19) VCF-style: chr4-998073-C-A.
Other names: NM_000203.5(IDUA):c.1854C>A; p.Tyr618Ter; c.1458C>A, p.Tyr486Ter (NM_001363576.1); short protein forms Y618*, Y486*.
Identifiers: ClinVar variation 554826 (VCV000554826.6), dbSNP rs746936485, ClinGen allele CA355965929.

ClinVar aggregate classification (germline): Likely pathogenic. Review status: reviewed by expert panel (3 of 4 stars). 4 submissions from 4 submitters: Likely pathogenic (1). 3 of the submissions do not count toward it. Last evaluated 2025-11-03.

Conditions:
Hurler syndrome. Also called: Gargoylism, Hurler Syndrome; MUCOPOLYSACCHARIDOSIS TYPE IH; Severe MPS I (Hurler Syndrome). Identifiers: Orphanet 93473, MedGen C0086795, MONDO:0011758, OMIM 607014.
Mucopolysaccharidosis type 1. Also called: Mucopolysaccharidosis Type I; IDUA deficiency; MPS I. Identifiers: Orphanet 579, MedGen C0023786, MONDO:0001586.

Submissions (4):

ClinGen Lysosomal Storage Disorder Variant Curation Expert Panel
Classification: Likely pathogenic for Mucopolysaccharidosis type 1. Last evaluated: 2025-11-03. Review status: reviewed by expert panel. Criteria: ClinGen LSD ACMG Specifications IDUA V1.1.0. Collection method: curation. Allele origin: germline. Inheritance: Autosomal recessive inheritance.
Comment: The NM_000203.5:c. c.1854C>A p.(Tyr618Ter) variant in IDUA is a nonsense variant predicted to cause a premature stop codon in the last the last exon of the gene and therefore to escape nonsense mediated decay. Less than 10% of the protein is predicted to be removed (PVS1_Moderate). This variant has been detected in at least two individuals with MPS I. Of those individuals, one was compound heterozygous for the variant and c.1487C>G p.(Pro496Arg), which has been classified as likely pathogenic by the ClinGen Lysosomal Diseases VCEP (PMID 27520059; phase unconfirmed; 0.5 points). This individual had a documented reduction in IDUA activity in leukocytes and an increase in urinary GAGs, as well as clinical features specific to MPS I including coarse facies, corneal clouding, intellectual disability, skeletal and cardiac abnormalities and hepatosplenomegaly (PMID 27520059; PP4_moderate). The other individual was compound heterozygous for this variant and c.613_617dup p.(Glu207fs) which has been classified as pathogenic by the ClinGen Lysosomal Diseases VCEP (PMIDs 27520059, 15521993; phase unconfirmed, 0.5 points; PM3). This variant is absent in gnomAD v4.1.0. (PM2_Supporting). There is a ClinVar entry for this variant (Variation ID: 554826). In summary, this variant meets the criteria to be classified as likely pathogenic for MPS I based on the ACMG/AMP criteria applied, as specified by the ClinGen Lysosomal Diseases Variant Curation Expert Panel (Specifications Version 1.1.0): PVS1_moderate, PM3, PM2_supporting, PP4_moderate (Classification approved by the ClinGen Lysosomal Diseases Variant Curation Expert Panel on November 3, 2025)

Revvity Omics, Revvity
Classification: Pathogenic. Last evaluated: 2024-01-15. Review status: criteria provided, single submitter. Criteria: ACMG Guidelines, 2015. Collection method: clinical testing. Allele origin: germline. Not counted in ClinVar's aggregate classification.

Labcorp Genetics (formerly Invitae), Labcorp
Classification: Pathogenic for Mucopolysaccharidosis type 1. Last evaluated: 2023-04-12. Review status: criteria provided, single submitter. Criteria: Invitae Variant Classification Sherloc (09022015). Collection method: clinical testing. Allele origin: germline. Not counted in ClinVar's aggregate classification.
Comment: For these reasons, this variant has been classified as Pathogenic. This variant disrupts a region of the IDUA protein in which other variant(s) (p.Ser633Leu) have been determined to be pathogenic (PMID: 11735025, 16438163, 21480867, 26825088, 27146977). This suggests that this is a clinically significant region of the protein, and that variants that disrupt it are likely to be disease-causing. ClinVar contains an entry for this variant (Variation ID: 554826). This premature translational stop signal has been observed in individual(s) with mucopolysaccharidosis type I (PMID: 15521993). This variant is not present in population databases (gnomAD no frequency). This sequence change creates a premature translational stop signal (p.Tyr618*) in the IDUA gene. While this is not anticipated to result in nonsense mediated decay, it is expected to disrupt the last 36 amino acid(s) of the IDUA protein.

Counsyl
Classification: Pathogenic for Hurler syndrome. Last evaluated: 2017-11-08. Review status: no assertion criteria provided. Collection method: clinical testing. Allele origin: unknown. Not counted in ClinVar's aggregate classification.

Literature cited by the submitters: PubMed 11735025 (cited by Labcorp Genetics (formerly Invitae), Labcorp); PubMed 16438163 (cited by Labcorp Genetics (formerly Invitae), Labcorp); PubMed 21480867 (cited by Labcorp Genetics (formerly Invitae), Labcorp); PubMed 26825088 (cited by Labcorp Genetics (formerly Invitae), Labcorp); PubMed 27146977 (cited by Labcorp Genetics (formerly Invitae), Labcorp); PubMed 15521993 (cited by Labcorp Genetics (formerly Invitae), Labcorp); PubMed 27520059 (cited by Counsyl).